The following is an entry in ClinVar:

NM_144599.5(NIPA1):c.316G>C (p.Gly106Arg)

Gene: NIPA1 (NIPA magnesium transporter 1; plus strand). Cytogenetic location: 15q11.2.
Variant type: single nucleotide variant.
Coding change: c.316G>C on transcript NM_144599.5 (MANE Select); coding-DNA position 316, G replaced by C.
Protein change: p.Gly106Arg; replaces glycine 106 with arginine.
Molecular consequence: missense variant.
Genome position (GRCh38, 1-based): chr15:22,812,252, G>C. VCF-style: chr15-22812252-G-C. GRCh37 (hg19) VCF-style: chr15-23060816-C-G.
Other names: NIPA1, 316G-C, GLY106ARG; c.91G>C, p.Gly31Arg (NM_001142275.1); short protein forms G106R, G31R.
Identifiers: ClinVar variation 2521 (VCV000002521.12), dbSNP rs104894490, ClinGen allele CA115593.

ClinVar aggregate classification (germline): Pathogenic. Review status: criteria provided, multiple submitters, no conflicts (2 of 4 stars). 3 submissions from 3 submitters: Pathogenic (2). 1 of the submissions does not count toward it. Last evaluated 2025-10-23.

Conditions:
Hereditary spastic paraplegia 6 (SPG6). Also called: SPASTIC PARAPLEGIA 6, AUTOSOMAL DOMINANT. Identifiers: Orphanet 100988, MedGen C1838192, MONDO:0010878, OMIM 600363.

Submissions (3):

Mayo Clinic Laboratories, Mayo Clinic
Classification: Pathogenic. Last evaluated: 2025-10-23. Review status: criteria provided, single submitter. Criteria: ACMG Guidelines, 2015. Collection method: clinical testing. Allele origin: germline. Observed: 1 variant allele.
Comment: PP1_strong, PM2_supporting, PS1, PS3, PS4_moderate

Labcorp Genetics (formerly Invitae), Labcorp
Classification: Pathogenic for Hereditary spastic paraplegia 6. Last evaluated: 2019-01-05. Review status: criteria provided, single submitter. Criteria: Invitae Variant Classification Sherloc (09022015). Collection method: clinical testing. Allele origin: germline.
Comment: For these reasons, this variant has been classified as Pathogenic. Experimental studies have shown that this missense change significantly alters NIPA1 protein function (PMID: 24128679, 19620182, 20816793, 17166836, 19091982). This variant has been observed to segregate with hereditary spastic paraplegia in several families (PMID: 15643603, 23850684, 17928003). This variant has also been observed in many other individuals affected with hereditary spastic paraplegia (PMID: 21419568, 21599812, 25341883). ClinVar contains an entry for this variant (Variation ID: 2521). This variant is not present in population databases (ExAC no frequency). This sequence change replaces glycine with arginine at codon 106 of the NIPA1 protein (p.Gly106Arg). The glycine residue is moderately conserved and there is a moderate physicochemical difference between glycine and arginine.

OMIM
Classification: Pathogenic for SPASTIC PARAPLEGIA 6, AUTOSOMAL DOMINANT. Last evaluated: 2005-02-01. Review status: no assertion criteria provided. Collection method: literature only. Allele origin: germline. Not counted in ClinVar's aggregate classification.

Literature cited by the submitters: PubMed 15643603 (cited by 3 submitters); PubMed 17166836 (cited by Mayo Clinic Laboratories, Mayo Clinic and Labcorp Genetics (formerly Invitae), Labcorp); PubMed 17928003 (cited by Mayo Clinic Laboratories, Mayo Clinic and Labcorp Genetics (formerly Invitae), Labcorp); PubMed 19091982 (cited by Mayo Clinic Laboratories, Mayo Clinic and Labcorp Genetics (formerly Invitae), Labcorp); PubMed 20816793 (cited by Mayo Clinic Laboratories, Mayo Clinic and Labcorp Genetics (formerly Invitae), Labcorp); PubMed 21419568 (cited by Mayo Clinic Laboratories, Mayo Clinic and Labcorp Genetics (formerly Invitae), Labcorp); PubMed 23850684 (cited by Mayo Clinic Laboratories, Mayo Clinic and Labcorp Genetics (formerly Invitae), Labcorp); PubMed 36607129 (cited by Mayo Clinic Laboratories, Mayo Clinic); PubMed 24128679 (cited by Labcorp Genetics (formerly Invitae), Labcorp); PubMed 19620182 (cited by Labcorp Genetics (formerly Invitae), Labcorp); PubMed 21599812 (cited by Labcorp Genetics (formerly Invitae), Labcorp); PubMed 25341883 (cited by Labcorp Genetics (formerly Invitae), Labcorp).